The following is an entry in ClinVar:

NM_000203.5(IDUA):c.50_61del (p.Leu17_Ala20del)

Genes: IDUA (alpha-L-iduronidase; plus strand), SLC26A1 (solute carrier family 26 member 1; minus strand). Cytogenetic location: 4p16.3.
Variant type: Deletion.
Coding change: c.50_61del on transcript NM_000203.5 (MANE Select); coding-DNA positions 50 to 61, 12 bases deleted (TCCTGGCCGCGC).
Protein change: p.Leu17_Ala20del.
Molecular consequence: inframe deletion. On other transcripts: non-coding transcript variant (1), intron variant (1).
Genome position (GRCh38, 1-based): chr4:987,134-987,145, TCCTGGCCGCGC deleted; deleting any 12 consecutive bases within chr4:987,131-987,145 gives the same sequence; the c. name uses the placement nearest the transcript's 3' end. VCF-style (leftmost placement, unchanged base first): chr4-987130-TCGCTCCTGGCCG-T. GRCh37 (hg19) VCF-style: chr4-980918-TCGCTCCTGGCCG-T.
Other names: c.576+3986_576+3997del (NM_134425.4).
Identifiers: ClinVar variation 2432774 (VCV002432774.4), dbSNP rs2534003478, ClinGen allele CA2580071756.

ClinVar aggregate classification (germline): Uncertain significance. Review status: criteria provided, multiple submitters, no conflicts (2 of 4 stars). 2 submissions from 2 submitters: Uncertain significance (2). Last evaluated 2025-07-07.

Conditions:
Mucopolysaccharidosis, MPS-I-H/S. Also called: Mucopolysaccharidosis type IH/S. Identifiers: Orphanet 93476, MedGen C0086431, MONDO:0011759, OMIM 607015.

Submissions (2):

3billion
Classification: Uncertain significance for Mucopolysaccharidosis, MPS-I-H/S. Last evaluated: 2025-07-07. Review status: criteria provided, single submitter. Criteria: ACMG Guidelines, 2015. Collection method: clinical testing. Allele origin: germline. Affected: yes.
Comment: The variant is not observed in the gnomAD v4.1.0 dataset. Predicted Consequence/Location: Inframe deletion located in a nonrepeat region: predicted to change the length of the protein and disrupt normal protein function. The variant has been reported to be associated with IDUA-related disorder (PMID: 35005816). Therefore, this variant is classified as VUS according to the recommendation of ACMG/AMP guideline.

Revvity Omics, Revvity
Classification: Uncertain significance. Last evaluated: 2022-08-05. Review status: criteria provided, single submitter. Criteria: ACMG Guidelines, 2015. Collection method: clinical testing. Allele origin: germline.

Literature cited by the submitters: PubMed 35005816 (cited by 3billion).